The following is an entry in ClinVar:

ClinVar aggregate classification (germline): Uncertain significance (1 of 4 stars; one submission).

Conditions:
Autoimmune interstitial lung disease-arthritis syndrome. Also called: Autoinflammation and autoimmunity, systemic, with immune dysregulation. Identifiers: Orphanet 444092, MedGen C5975714, MONDO:0014629.

gnomAD v4.1: 1 of 1,614,186 alleles (0.000062%); no homozygotes.

Submission:

Labcorp Genetics (formerly Invitae), Labcorp
Classification: Uncertain significance for Autoimmune interstitial lung disease-arthritis syndrome. Last evaluated: 2024-02-16. Review status: criteria provided, single submitter. Criteria: Invitae Variant Classification Sherloc (09022015). Collection method: clinical testing. Allele origin: germline.
Comment: This sequence change replaces glutamic acid, which is acidic and polar, with lysine, which is basic and polar, at codon 770 of the COPA protein (p.Glu770Lys). This variant is not present in population databases (gnomAD no frequency). This variant has not been reported in the literature in individuals affected with COPA-related conditions. Advanced modeling of protein sequence and biophysical properties (such as structural, functional, and spatial information, amino acid conservation, physicochemical variation, residue mobility, and thermodynamic stability) performed at Invitae indicates that this missense variant is not expected to disrupt COPA protein function with a negative predictive value of 80%. In summary, the available evidence is currently insufficient to determine the role of this variant in disease. Therefore, it has been classified as a Variant of Uncertain Significance.

NM_004371.4(COPA):c.2308G>A (p.Glu770Lys)

Gene: COPA (coat protein complex I subunit alpha; minus strand). Cytogenetic location: 1q23.2.
Variant type: single nucleotide variant.
Coding change: c.2308G>A on transcript NM_004371.4 (MANE Select); coding-DNA position 2308, G replaced by A.
Protein change: p.Glu770Lys; replaces glutamic acid 770 with lysine.
Molecular consequence: missense variant.
Genome position (GRCh38, 1-based): chr1:160,296,105, C>T on the plus strand (G>A on the coding strand, the complement: COPA is on the minus strand). VCF-style: chr1-160296105-C-T. GRCh37 (hg19) VCF-style: chr1-160265895-C-T.
Other names: c.2335G>A, p.Glu779Lys (NM_001098398.2); short protein forms E770K, E779K.
Identifiers: ClinVar variation 3623519 (VCV003623519.2).
Genomic context (GRCh38, chr1:160,296,105, plus strand): 5'-GTAAATAAAGACTCACTGTCTCCTTCTCTGGGTCAAATGTCTCCTTTAGGCTCTCAGCTT[C>T]TTCATCTAAGCCATGGGTAGCAGCTGTGAGATAGGCCAGGGACTCTGTAGAGAAAACAGA-3'
Protein context (NP_004362.2, residues 760-780): LTAATHGLDE[Glu770Lys]AESLKETFDP